The following is an entry in ClinVar:

NM_000038.6(APC):c.5821C>A (p.Pro1941Thr)

Gene: APC (APC regulator of Wnt signaling pathway; plus strand). Cytogenetic location: 5q22.2.
Variant type: single nucleotide variant.
Coding change: c.5821C>A on transcript NM_000038.6 (MANE Select); coding-DNA position 5821, C replaced by A.
Protein change: p.Pro1941Thr; replaces proline 1941 with threonine.
Molecular consequence: missense variant.
Genome position (GRCh38, 1-based): chr5:112,841,415, C>A. VCF-style: chr5-112841415-C-A. GRCh37 (hg19) VCF-style: chr5-112177112-C-A.
Other names: c.5821C>A, p.Pro1941Thr (NM_001127510.3, NM_001354895.2, NM_001407450.1); c.5767C>A, p.Pro1923Thr (NM_001127511.3); c.5875C>A, p.Pro1959Thr (NM_001354896.2, NM_001407447.1, NM_001407448.1 and 1 more transcripts); c.5851C>A, p.Pro1951Thr (NM_001354897.2); c.5746C>A, p.Pro1916Thr (NM_001354898.2); c.5737C>A, p.Pro1913Thr (NM_001354899.2); c.5698C>A, p.Pro1900Thr (NM_001354900.2); c.5644C>A, p.Pro1882Thr (NM_001354901.2, NM_001407453.1); and 11 more; short protein forms P1557T, P1658T, P1781T, P1812T, P1815T, P1840T, P1850T, P1858T.
Identifiers: ClinVar variation 1705164 (VCV001705164.4), dbSNP rs747289299, ClinGen allele CA043131.
Genomic context (GRCh38, chr5:112,841,415, plus strand): 5'-GGTCAGCCTAAACCCATACTTCAGAAACAATCCACTTTTCCCCAGTCATCCAAAGACATA[C>A]CAGACAGAGGGGCAGCAACTGATGAAAAGTTACAGAATTTTGCTATTGAAAATACTCCGG-3'
Protein context (NP_000029.2, residues 1931-1951): STFPQSSKDI[Pro1941Thr]DRGAATDEKL

ClinVar aggregate classification (germline): Uncertain significance. Review status: criteria provided, multiple submitters, no conflicts (2 of 4 stars). 3 submissions from 3 submitters: Uncertain significance (3). Last evaluated 2025-12-29.

Conditions:
Hereditary cancer-predisposing syndrome. Also called: Tumor predisposition; Neoplastic Syndromes, Hereditary; Hereditary Cancer Syndrome; Hereditary neoplastic syndrome. Identifiers: Orphanet 140162, MedGen C0027672, MeSH D009386, MONDO:0015356.

Allele frequency attached by ClinVar (database versions not stated): gnomAD exomes below 0.00001; ExAC 0.00001.
gnomAD v4.1: 2 of 1,613,892 alleles (0.00012%); highest among the groups gnomAD compares: South Asian, 0.0022%; no homozygotes.

Submissions (3):

Center for Genomic Medicine, Rigshospitalet, Copenhagen University Hospital
Classification: Uncertain significance. Last evaluated: 2025-12-29. Review status: criteria provided, single submitter. Criteria: ACMG Guidelines, 2015. Collection method: clinical testing. Allele origin: germline.
Comment: Classification criteria: BP1

Ambry Genetics
Classification: Uncertain significance for Hereditary cancer-predisposing syndrome. Last evaluated: 2023-02-05. Review status: criteria provided, single submitter. Criteria: Ambry Variant Classification Scheme 2023. Collection method: clinical testing. Allele origin: germline.
Comment: The p.P1941T variant (also known as c.5821C>A), located in coding exon 15 of the APC gene, results from a C to A substitution at nucleotide position 5821. The proline at codon 1941 is replaced by threonine, an amino acid with highly similar properties. This amino acid position is conserved. In addition, in silico predictors for this gene do not accurately predict pathogenicity. Since supporting evidence is limited at this time, the clinical significance of this alteration remains unclear.

Women's Health and Genetics/Laboratory Corporation of America, LabCorp
Classification: Uncertain significance. Last evaluated: 2022-08-22. Review status: criteria provided, single submitter. Criteria: LabCorp Variant Classification Summary - May 2015. Collection method: clinical testing. Allele origin: germline.
Comment: Variant summary: APC c.5821C>A (p.Pro1941Thr) results in a non-conservative amino acid change in the encoded protein sequence. Three of five in-silico tools predict a damaging effect of the variant on protein function. The variant allele was found at a frequency of 8e-06 in 250192 control chromosomes. The available data on variant occurrences in the general population are insufficient to allow any conclusion about variant significance. To our knowledge, no occurrence of c.5821C>A in individuals affected with Familial Adenomatous Polyposis and no experimental evidence demonstrating its impact on protein function have been reported. No clinical diagnostic laboratories have submitted clinical-significance assessments for this variant to ClinVar after 2014. Based on the evidence outlined above, the variant was classified as uncertain significance.